The following is an entry in ClinVar:

ClinVar aggregate classification (germline): Uncertain significance (1 of 4 stars; one submission).

Conditions:
Marshall-Smith syndrome (MRSHSS). Identifiers: Orphanet 561, MedGen C0265211, MONDO:0011244, OMIM 602535.
Malan overgrowth syndrome (MALNS). Also called: NFIX-Related Malan Syndrome; Sotos syndrome 2; MALAN SYNDROME. Identifiers: Orphanet 420179, MedGen C3553660, MONDO:0013885, OMIM 614753.

Submission:

Labcorp Genetics (formerly Invitae), Labcorp
Classification: Uncertain significance for Malan overgrowth syndrome; Marshall-Smith syndrome. Last evaluated: 2022-11-15. Review status: criteria provided, single submitter. Criteria: Invitae Variant Classification Sherloc (09022015). Collection method: clinical testing. Allele origin: germline.
Comment: In summary, the available evidence is currently insufficient to determine the role of this variant in disease. Therefore, it has been classified as a Variant of Uncertain Significance. Algorithms developed to predict the effect of missense changes on protein structure and function are either unavailable or do not agree on the potential impact of this missense change (SIFT: "Deleterious"; PolyPhen-2: "Not Available"; Align-GVGD: "Class C0"). This variant has not been reported in the literature in individuals affected with NFIX-related conditions. This variant is not present in population databases (gnomAD no frequency). This sequence change replaces valine, which is neutral and non-polar, with leucine, which is neutral and non-polar, at codon 31 of the NFIX protein (p.Val31Leu).

NM_001365902.3(NFIX):c.67G>C (p.Val23Leu)

Gene: NFIX (nuclear factor I X; plus strand). Cytogenetic location: 19p13.13.
Variant type: single nucleotide variant.
Coding change: c.67G>C on transcript NM_001365902.3 (MANE Select); coding-DNA position 67, G replaced by C.
Protein change: p.Val23Leu; replaces valine 23 with leucine.
Molecular consequence: missense variant. On other transcripts: 5 prime UTR variant (1).
Genome position (GRCh38, 1-based): chr19:13,025,060, G>C. VCF-style: chr19-13025060-G-C. GRCh37 (hg19) VCF-style: chr19-13135874-G-C.
Other names: c.91G>C, p.Val31Leu (NM_001271043.2); c.43G>C, p.Val15Leu (NM_001271044.3, NM_001378404.1); c.67G>C, p.Val23Leu (NM_001365982.2, NM_002501.4); c.-75G>C (NM_001365983.2); c.64G>C, p.Val22Leu (NM_001365984.2, NM_001365985.2); c.115G>C, p.Val39Leu (NM_001378405.1); short protein forms V23L, V15L, V22L, V31L, V39L.
Identifiers: ClinVar variation 2001878 (VCV002001878.4), dbSNP rs2512742582, ClinGen allele CA404312619.
Genomic context (GRCh38, chr19:13,025,060, plus strand): 5'-CTCCCGGCTTGCCGCCTGCAGGATGAGTTCCACCCGTTCATCGAGGCACTGCTGCCTCAC[G>C]TCCGCGCTTTCTCCTACACCTGGTTCAACCTGCAGGCGCGGAAGCGCAAGTACTTCAAGA-3'
Protein context (NP_001352831.1, residues 13-33): HPFIEALLPH[Val23Leu]RAFSYTWFNL